The following is an entry in ClinVar:

ClinVar aggregate classification (germline): Conflicting classifications of pathogenicity. Review status: criteria provided, conflicting classifications (1 of 4 stars). 3 submissions from 3 submitters: Likely pathogenic (1); Uncertain significance (2). Last evaluated 2024-04-25.

Conditions:
Familial thoracic aortic aneurysm and aortic dissection (TAAD). Also called: Thoracic aortic aneurysms and dissections. Identifiers: Orphanet 91387, MedGen C4707243, MONDO:0019625.
Marfan syndrome (MFS). Also called: FBN1-Related Marfan Syndrome; Marfan syndrome type 1; Marfan's syndrome; Marfan syndrome, classic; MARFAN SYNDROME, TYPE I. Identifiers: Orphanet 284963, Orphanet 558, MedGen C0024796, MONDO:0007947, OMIM 154700.
FBN1-related disorder. Also called: FBN1-related disorders.

Allele frequency attached by ClinVar (database versions not stated): gnomAD exomes below 0.00001.
gnomAD v4.1: 1 of 1,613,458 alleles (0.000062%); highest among the groups gnomAD compares: Non-Finnish European, 0.000085%; no homozygotes.

Submissions (3):

Labcorp Genetics (formerly Invitae), Labcorp
Classification: Uncertain significance for Marfan syndrome; Familial thoracic aortic aneurysm and aortic dissection. Last evaluated: 2024-04-25. Review status: criteria provided, single submitter. Criteria: Invitae Variant Classification Sherloc (09022015). Collection method: clinical testing. Allele origin: germline.
Comment: This sequence change replaces aspartic acid, which is acidic and polar, with glycine, which is neutral and non-polar, at codon 2206 of the FBN1 protein (p.Asp2206Gly). This variant is not present in population databases (gnomAD no frequency). This missense change has been observed in individual(s) with clinical features of Marfan syndrome (Invitae). It has also been observed to segregate with disease in related individuals. ClinVar contains an entry for this variant (Variation ID: 636946). An algorithm developed to predict the effect of missense changes on protein structure and function (PolyPhen-2) suggests that this variant is likely to be disruptive. This variant disrupts the p.Asp2206 amino acid residue in FBN1. Other variant(s) that disrupt this residue have been observed in individuals with FBN1-related conditions (PMID: 32679894), which suggests that this may be a clinically significant amino acid residue. In summary, the available evidence is currently insufficient to determine the role of this variant in disease. Therefore, it has been classified as a Variant of Uncertain Significance.

Women's Health and Genetics/Laboratory Corporation of America, LabCorp
Classification: Uncertain significance. Last evaluated: 2023-08-28. Review status: criteria provided, single submitter. Criteria: LabCorp Variant Classification Summary - May 2015. Collection method: clinical testing. Allele origin: germline.
Comment: Variant summary: FBN1 c.6617A>G (p.Asp2206Gly) results in a non-conservative amino acid change located in the EGF-like domain (IPR000742) of the encoded protein sequence. Five of five in-silico tools predict a damaging effect of the variant on protein function. Several computational tools predict a significant impact on normal splicing: Three predict the variant creates a cryptic 5' donor site. However, these predictions have yet to be confirmed by functional studies. The variant was absent in 250856 control chromosomes (gnomAD). The available data on variant occurrences in the general population are insufficient to allow any conclusion about variant significance. To our knowledge, no occurrence of c.6617A>G in individuals affected with Marfan Syndrome and no experimental evidence demonstrating its impact on protein function have been reported. One submitter has cited clinical-significance assessments for this variant to ClinVar after 2014 and has classified the variant as likely pathogenic. Based on the evidence outlined above, the variant was classified as uncertain significance.

Blueprint Genetics
Classification: Likely pathogenic for FBN1-related disorders. Last evaluated: 2020-08-24. Review status: criteria provided, single submitter. Criteria: ACMG Guidelines, 2015. Collection method: clinical testing. Allele origin: germline. Affected: yes. Observed: 5 variant alleles.

Literature cited by the submitters: PubMed 32679894 (cited by Labcorp Genetics (formerly Invitae), Labcorp).

NM_000138.5(FBN1):c.6617A>G (p.Asp2206Gly)

Gene: FBN1 (fibrillin 1; minus strand). Cytogenetic location: 15q21.1.
Variant type: single nucleotide variant.
Coding change: c.6617A>G on transcript NM_000138.5 (MANE Select); coding-DNA position 6617, A replaced by G.
Protein change: p.Asp2206Gly; replaces aspartic acid 2206 with glycine.
Molecular consequence: missense variant.
Genome position (GRCh38, 1-based): chr15:48,432,988, T>C on the plus strand (A>G on the coding strand, the complement: FBN1 is on the minus strand). VCF-style: chr15-48432988-T-C. GRCh37 (hg19) VCF-style: chr15-48725185-T-C.
Other names: short protein forms D2206G.
Identifiers: ClinVar variation 636946 (VCV000636946.6), dbSNP rs1597522584, ClinGen allele CA392333750.